The following is an entry in ClinVar:

ClinVar aggregate classification (germline): Uncertain significance (1 of 4 stars; one submission).

Conditions:
Cardiovascular phenotype. Identifiers: MedGen CN230736.

gnomAD v4.1: 1 of 1,613,982 alleles (0.000062%); no homozygotes.

Submission:

Ambry Genetics
Classification: Uncertain significance for Cardiovascular phenotype. Last evaluated: 2024-12-09. Review status: criteria provided, single submitter. Criteria: Ambry Variant Classification Scheme 2023. Collection method: clinical testing. Allele origin: germline.
Comment: The p.Q1039H variant (also known as c.3117G>C), located in coding exon 27 of the ANK2 gene, results from a G to C substitution at nucleotide position 3117. The glutamine at codon 1039 is replaced by histidine, an amino acid with highly similar properties. This amino acid position is conserved. In addition, the in silico prediction for this alteration is inconclusive. Based on the available evidence, the clinical significance of this variant remains unclear.

NM_001148.6(ANK2):c.3117G>C (p.Gln1039His)

Gene: ANK2 (ankyrin 2; plus strand). Cytogenetic location: 4q26.
Variant type: single nucleotide variant.
Coding change: c.3117G>C on transcript NM_001148.6 (MANE Select); coding-DNA position 3117, G replaced by C.
Protein change: p.Gln1039His; replaces glutamine 1039 with histidine.
Molecular consequence: missense variant.
Genome position (GRCh38, 1-based): chr4:113,330,462, G>C. VCF-style: chr4-113330462-G-C. GRCh37 (hg19) VCF-style: chr4-114251618-G-C.
Other names: c.3090G>C, p.Gln1030His (NM_001127493.3); c.3129G>C, p.Gln1043His (NM_001354225.2); c.3117G>C, p.Gln1039His (NM_001354228.2, NM_001354258.2, NM_020977.5); c.3195G>C, p.Gln1065His (NM_001354230.2, NM_001354237.2); c.3159G>C, p.Gln1053His (NM_001354231.2, NM_001354242.2); c.3153G>C, p.Gln1051His (NM_001354232.2); c.3114G>C, p.Gln1038His (NM_001354235.2, NM_001354236.2, NM_001354246.2 and 1 more transcripts); c.3087G>C, p.Gln1029His (NM_001354239.2, NM_001354252.2, NM_001354272.2); and 23 more; short protein forms Q1005H, Q1020H, Q1025H, Q1058H, Q1086H, Q911H, Q1022H, Q1029H.
Identifiers: ClinVar variation 3540693 (VCV003540693.1).